The following is an entry in ClinVar:

NM_080473.5(GATA5):c.381G>A (p.Ala127=)

Gene: GATA5 (GATA binding protein 5; minus strand). Cytogenetic location: 20q13.33.
Variant type: single nucleotide variant.
Coding change: c.381G>A on transcript NM_080473.5 (MANE Select); coding-DNA position 381, G replaced by A.
Protein change: p.Ala127=; no amino-acid change (alanine 127 retained).
Molecular consequence: synonymous variant.
Genome position (GRCh38, 1-based): chr20:62,475,141, C>T on the plus strand (G>A on the coding strand, the complement: GATA5 is on the minus strand). VCF-style: chr20-62475141-C-T. GRCh37 (hg19) VCF-style: chr20-61050197-C-T.
Other names: c.381G>A (NM_080473.4).
Identifiers: ClinVar variation 2997218 (VCV002997218.6), dbSNP rs782029132, ClinGen allele CA9946321.

ClinVar aggregate classification (germline): Likely benign. Review status: criteria provided, multiple submitters, no conflicts (2 of 4 stars). 3 submissions from 3 submitters: Likely benign (2). 1 of the submissions does not count toward it. Last evaluated 2026-05-01.

Conditions:
GATA5-related disorder. Also called: GATA5-related condition.

Allele frequency attached by ClinVar (database versions not stated): gnomAD 0.00003; ExAC 0.00025.
gnomAD v4.1: 15 of 1,357,912 alleles (0.0011%); highest among the groups gnomAD compares: Middle Eastern, 0.02%; no homozygotes.

Submissions (3):

CeGaT Center for Human Genetics Tuebingen
Classification: Likely benign. Last evaluated: 2026-05-01. Review status: criteria provided, single submitter. Criteria: CeGaT Center For Human Genetics Tuebingen Variant Classification Criteria Version 2. Collection method: clinical testing. Allele origin: germline. Affected: yes. Observed: 1 variant allele.
Comment: GATA5: BP4, BP7

Labcorp Genetics (formerly Invitae), Labcorp
Classification: Likely benign. Last evaluated: 2025-11-21. Review status: criteria provided, single submitter. Criteria: Invitae Variant Classification Sherloc (09022015). Collection method: clinical testing. Allele origin: germline.

PreventionGenetics, part of Exact Sciences
Classification: Likely benign for GATA5-related condition. Last evaluated: 2019-03-01. Review status: no assertion criteria provided. Collection method: clinical testing. Allele origin: germline. Not counted in ClinVar's aggregate classification.
Comment: This variant is classified as likely benign based on ACMG/AMP sequence variant interpretation guidelines (Richards et al. 2015 PMID: 25741868, with internal and published modifications).